The following is an entry in ClinVar:

ClinVar aggregate classification (germline): Conflicting classifications of pathogenicity. Review status: criteria provided, conflicting classifications (1 of 4 stars). 3 submissions from 2 submitters: Uncertain significance (1); Benign (1); Likely benign (1). Last evaluated 2018-07-28.

Conditions:
Autosomal recessive nonsyndromic hearing loss 7. Also called: DEAFNESS, AUTOSOMAL RECESSIVE 11. Identifiers: Orphanet 90636, MedGen C1832978, MONDO:0010967, OMIM 600974.
Autosomal dominant nonsyndromic hearing loss 36. Identifiers: Orphanet 90635, MedGen C1847626, MONDO:0011708, OMIM 606705.

Allele frequency attached by ClinVar (database versions not stated): gnomAD exomes 0.00071 and 0.00187; ExAC 0.00233; gnomAD 0.00727 and 0.00779; ESP Exome Variant Server 0.00738; TOPMed 0.00847; 1000 Genomes Project 0.00958; 1000 Genomes Project 30x 0.01077.
gnomAD v4.1: 2,163 of 1,603,466 alleles (0.13%); highest among the groups gnomAD compares: African/African-American, 2.6%; 33 homozygotes.

Submissions (3):

GeneDx
Classification: Likely benign. Last evaluated: 2018-07-28. Review status: criteria provided, single submitter. Criteria: GeneDx Variant Classification Process June 2021. Collection method: clinical testing. Allele origin: germline. Affected: yes.

Illumina Laboratory Services, Illumina
Classification: Benign for Autosomal dominant nonsyndromic hearing loss 36. Last evaluated: 2018-01-13. Review status: criteria provided, single submitter. Criteria: ICSL Variant Classification Criteria 13 December 2019. Collection method: clinical testing. Allele origin: germline.
Comment: This variant was observed in the ICSL laboratory as part of a predisposition screen in an ostensibly healthy population. It had not been previously curated by ICSL or reported in the Human Gene Mutation Database (HGMD: prior to June 1st, 2018), and was therefore a candidate for classification through an automated scoring system. Utilizing variant allele frequency, disease prevalence and penetrance estimates, and inheritance mode, an automated score was calculated to assess if this variant is too frequent to cause the disease. Based on the score and internal cut-off values, a variant classified as benign is not then subjected to further curation. The score for this variant resulted in a classification of benign for this disease.

Illumina Laboratory Services, Illumina
Classification: Uncertain significance for Autosomal recessive nonsyndromic hearing loss 7. Last evaluated: 2018-01-13. Review status: criteria provided, single submitter. Criteria: ICSL Variant Classification Criteria 13 December 2019. Collection method: clinical testing. Allele origin: germline.

NM_138691.3(TMC1):c.*28A>C

Gene: TMC1 (transmembrane channel like 1; plus strand). Cytogenetic location: 9q21.13.
Variant type: single nucleotide variant.
Coding change: c.*28A>C on transcript NM_138691.3 (MANE Select); 28 bases downstream of the stop codon, A replaced by C.
Molecular consequence: 3 prime UTR variant.
Genome position (GRCh38, 1-based): chr9:72,836,001, A>C. VCF-style: chr9-72836001-A-C. GRCh37 (hg19) VCF-style: chr9-75450917-A-C.
Identifiers: ClinVar variation 367262 (VCV000367262.8), dbSNP rs151157872, ClinGen allele CA5082283.